The following is an entry in ClinVar:

ClinVar aggregate classification (germline): Uncertain significance. Review status: criteria provided, multiple submitters, no conflicts (2 of 4 stars). 2 submissions from 2 submitters: Uncertain significance (2). Last evaluated 2025-11-24.

Conditions:
Dilated cardiomyopathy 1G (CMD1G). Identifiers: Orphanet 154, MedGen C1858763, MONDO:0011400, OMIM 604145.
Autosomal recessive limb-girdle muscular dystrophy type 2J (LGMDR10). Also called: Limb-girdle muscular dystrophy, type 2J; MUSCULAR DYSTROPHY, LIMB-GIRDLE, AUTOSOMAL RECESSIVE 10. Identifiers: Orphanet 140922, MedGen C1837342, MONDO:0012127, OMIM 608807.

Allele frequency attached by ClinVar (database versions not stated): gnomAD exomes below 0.00001; TOPMed below 0.00001; ExAC 0.00001.
gnomAD v4.1: 1 of 1,613,914 alleles (0.000062%); highest among the groups gnomAD compares: Admixed American, 0.0017%; no homozygotes.

Submissions (2):

Labcorp Genetics (formerly Invitae), Labcorp
Classification: Uncertain significance for Dilated cardiomyopathy 1G; Autosomal recessive limb-girdle muscular dystrophy type 2J. Last evaluated: 2025-11-24. Review status: criteria provided, single submitter. Criteria: Invitae Variant Classification Sherloc (09022015). Collection method: clinical testing. Allele origin: germline.
Comment: This sequence change replaces threonine, which is neutral and polar, with isoleucine, which is neutral and non-polar, at codon 34351 of the TTN protein (p.Thr34351Ile). This variant is present in population databases (rs772319019, gnomAD 0.003%). This variant has not been reported in the literature in individuals affected with TTN-related conditions. ClinVar contains an entry for this variant (Variation ID: 1424011). Experimental studies and prediction algorithms are not available or were not evaluated, and the functional significance of this variant is currently unknown. This variant is located in the M band of TTN (PMID: 25589632). Non-truncating variants in this region may be relevant for neuromuscular disorders, but have not been definitively shown to cause cardiomyopathy (PMID: 23975875). In summary, the available evidence is currently insufficient to determine the role of this variant in disease. Therefore, it has been classified as a Variant of Uncertain Significance.

GeneDx
Classification: Uncertain significance. Last evaluated: 2024-12-04. Review status: criteria provided, single submitter. Criteria: GeneDx Variant Classification Process June 2021. Collection method: clinical testing. Allele origin: germline. Affected: yes.
Comment: Not observed at significant frequency in large population cohorts (gnomAD); Missense variant in a gene in which most reported pathogenic variants are truncating/loss of function; Has not been previously published as pathogenic or benign to our knowledge

Literature cited by the submitters: PubMed 25589632 (cited by Labcorp Genetics (formerly Invitae), Labcorp); PubMed 23975875 (cited by Labcorp Genetics (formerly Invitae), Labcorp).

NM_001267550.2(TTN):c.103052C>T (p.Thr34351Ile)

Genes: TTN (titin; minus strand), TTN-AS1 (TTN antisense RNA 1; plus strand). Cytogenetic location: 2q31.2.
Variant type: single nucleotide variant.
Coding change: c.103052C>T on transcript NM_001267550.2 (MANE Select); coding-DNA position 103052, C replaced by T.
Protein change: p.Thr34351Ile; replaces threonine 34351 with isoleucine.
Molecular consequence: missense variant.
Genome position (GRCh38, 1-based): chr2:178,533,563, G>A on the plus strand (C>T on the coding strand, the complement: TTN is on the minus strand). VCF-style: chr2-178533563-G-A. GRCh37 (hg19) VCF-style: chr2-179398290-G-A.
Other names: c.98129C>T, p.Thr32710Ile (NM_001256850.1); c.75857C>T, p.Thr25286Ile (NM_003319.4); c.95348C>T, p.Thr31783Ile (NM_133378.4); c.76232C>T, p.Thr25411Ile (NM_133432.3); c.76433C>T, p.Thr25478Ile (NM_133437.4); c.103052C>T (NM_001267550.1); short protein forms T25411I, T34351I, T25478I, T25286I, T31783I, T32710I.
Identifiers: ClinVar variation 1424011 (VCV001424011.7), dbSNP rs772319019, ClinGen allele CA1985664.
Genomic context (GRCh38, chr2:178,533,563, plus strand): 5'-TTTGCCAGTAACCTTTTGAACATGGGTCTTAAGGTACTATCTGTTGGAGGTGGGTGTAGG[G>A]TTACTGTCAGCTTTGCTTTACAGCTGTCTTCACCATATTTGTTCCTTGCCACAACAGTAT-3'
Protein context (NP_001254479.2, residues 34341-34361): EDSCKAKLTV[Thr34351Ile]LHPPPTDSTL